The following is an entry in ClinVar:

ClinVar aggregate classification (germline): Likely benign. Review status: criteria provided, multiple submitters, no conflicts (2 of 4 stars). 2 submissions from 2 submitters: Likely benign (2). Last evaluated 2024-11-06.

Allele frequency attached by ClinVar (database versions not stated): ESP Exome Variant Server 0.00008; ExAC 0.00016; 1000 Genomes Project 0.00020; 1000 Genomes Project 30x 0.00031; gnomAD 0.00032; TOPMed 0.00034.

Submissions (2):

Blueprint Genetics
Classification: Likely benign. Last evaluated: 2024-11-06. Review status: criteria provided, single submitter. Criteria: ACMG Guidelines, 2015. Collection method: clinical testing. Allele origin: germline.

CeGaT Center for Human Genetics Tuebingen
Classification: Likely benign. Last evaluated: 2023-05-01. Review status: criteria provided, single submitter. Criteria: CeGaT Center For Human Genetics Tuebingen Variant Classification Criteria Version 2. Collection method: clinical testing. Allele origin: germline. Affected: yes. Observed: 2 variant alleles.
Comment: EIF4A3: BP4, BP7

NM_014740.4(EIF4A3):c.1152C>T (p.Asp384=)

Gene: EIF4A3 (eukaryotic translation initiation factor 4A3; minus strand). Cytogenetic location: 17q25.3.
Variant type: single nucleotide variant.
Coding change: c.1152C>T on transcript NM_014740.4 (MANE Select); coding-DNA position 1152, C replaced by T.
Protein change: p.Asp384=; no amino-acid change (aspartic acid 384 retained).
Molecular consequence: synonymous variant.
Genome position (GRCh38, 1-based): chr17:80,136,071, G>A on the plus strand (C>T on the coding strand, the complement: EIF4A3 is on the minus strand). VCF-style: chr17-80136071-G-A. GRCh37 (hg19) VCF-style: chr17-78109870-G-A.
Other names: c.1089C>T, p.Asp363= (NM_001411099.1).
Identifiers: ClinVar variation 2648396 (VCV002648396.25), dbSNP rs374961147, ClinGen allele CA8815935.